The following is an entry in ClinVar:

ClinVar aggregate classification (germline): Pathogenic/Likely pathogenic. Review status: criteria provided, multiple submitters, no conflicts (2 of 4 stars). 25 submissions from 25 submitters: Pathogenic (21); Likely pathogenic (1). 3 of the submissions do not count toward it. Last evaluated 2026-02-13.

Conditions:
PROP1-related disorder. Also called: PROP1-related condition.
Pituitary hormone deficiency.
46,XY partial gonadal dysgenesis. Identifiers: Orphanet 251510, MedGen C4510744, MONDO:0016674.
Combined pituitary hormone deficiencies, genetic form. Also called: Pituitary hormone deficiency, combined. Identifiers: Orphanet 95494, MedGen C4273747, MONDO:0013099.
Pituitary hormone deficiency, combined, 2. Also called: ATELIOTIC DWARFISM WITH HYPOGONADISM; PITUITARY DWARFISM III; PROP1-Related Combined Pituitary Hormone Deficiency; HANHART DWARFISM. Identifiers: MedGen C0878683, MONDO:0009878, OMIM 262600.

Submissions 1 to 15 of 25:

OLLIN Analises Genomicas, OLLIN
Classification: Pathogenic for Pituitary hormone deficiency, combined, 2. Last evaluated: 2026-02-13. Review status: criteria provided, single submitter. Criteria: ACMG Guidelines 2015 PMID 25741868. Collection method: clinical testing. Allele origin: germline. Observed: 3 variant alleles.
Comment: PVS1, PM2_P, PM3_VS, PP1

Labcorp Genetics (formerly Invitae), Labcorp
Classification: Pathogenic. Last evaluated: 2025-12-15. Review status: criteria provided, single submitter. Criteria: Invitae Variant Classification Sherloc (09022015). Collection method: clinical testing. Allele origin: germline.
Comment: This sequence change creates a premature translational stop signal (p.Leu102Cysfs*8) in the PROP1 gene. While this is not anticipated to result in nonsense mediated decay, it is expected to disrupt the last 125 amino acid(s) of the PROP1 protein. This variant is present in population databases (rs193922688, gnomAD 0.03%). This premature translational stop signal has been observed in individuals with combined pituitary hormone deficiency in many families and it has been observed in combination with another PROP1 variant in unrelated individuals with this condition (PMID: 9462743, 11081182, 16735499, 17162714, 26111865, 28734020). It has also been observed to segregate with disease in related individuals. This variant is also known as A301G302 deletion and delGA296 (S109X). ClinVar contains an entry for this variant (Variation ID: 8098). Algorithms developed to predict the effect of variants on gene product structure and function are not available or were not evaluated for this variant. Experimental studies have shown that this premature translational stop signal affects PROP1 function (PMID: 9462743). Algorithms developed to predict the effect of sequence changes on RNA splicing suggest that this variant may disrupt the consensus splice site. For these reasons, this variant has been classified as Pathogenic.

3billion
Classification: Pathogenic for Pituitary hormone deficiency, combined, 2. Last evaluated: 2025-11-11. Review status: criteria provided, single submitter. Criteria: ACMG Guidelines, 2015. Collection method: clinical testing. Allele origin: germline. Affected: yes.
Comment: The variant is observed at an extremely low frequency in the gnomAD v4.1.0 dataset (total allele frequency: 0.019%). Predicted Consequence/Location: Frameshift: predicted to result in a loss or disruption of normal protein function through protein truncation. The predicted truncated protein may be shortened by more than 10%. The variant has been reported at least twice as pathogenic with clinical assertions and evidence for the classification (ClinVar ID: VCV000008098 /PMID: 9462743). Therefore, this variant is classified as Pathogenic according to the recommendation of ACMG/AMP guideline.

Natera, Inc.
Classification: Pathogenic for Combined pituitary hormone deficiency type 2. Last evaluated: 2025-10-23. Review status: criteria provided, single submitter. Criteria: Natera Variant Classification Schema (03/2026). Collection method: clinical testing. Allele origin: germline.
Comment: The c.301_302delAG variant in PROP1 is a frameshift variant predicted to shift the reading frame beginning at codon 102 and leads to a stop codon 8 codons downstream. This variant is expected to result in nonsense mediated decay, truncation, or a dysfunctional protein product. This variant is rare in the general population with a frequency below the threshold expected for the associated phenotype(s). This variant has been observed in one or more individuals affected with the associated recessive disease, as either homozygous or compound heterozygous with a second variant (PMID: 25581745). Given the available evidence, this variant is classified as Pathogenic.

NHS Central & South Genomic Laboratory Hub
Classification: Pathogenic for Pituitary hormone deficiency. Last evaluated: 2025-10-21. Review status: criteria provided, single submitter. Criteria: ACMG Guidelines, 2015. Collection method: clinical testing. Allele origin: germline. Affected: yes.

PreventionGenetics, part of Exact Sciences
Classification: Pathogenic for PROP1-related condition. Last evaluated: 2025-08-16. Review status: criteria provided, single submitter. Criteria: ACMG Guidelines, 2015. Collection method: clinical testing. Allele origin: germline.
Comment: The PROP1 c.301_302delAG variant is predicted to result in a frameshift and premature protein termination (p.Leu102Cysfs*8). This variant has been reported in the homozygous or compound heterozygous state in many individuals and families with combined pituitary hormone deficiency (see example: Wu et al. 1998. PubMed ID: 9462743; Avbelj Stefanija et al. 2015. PubMed ID: 26111865; Blum et al. 2018. PubMed ID: 30266296). This variant is reported in 0.033% of alleles in individuals of European (Non-Finnish) descent in gnomAD. Frameshift variants in PROP1 are expected to be pathogenic. This variant is interpreted as pathogenic.

Women's Health and Genetics/Laboratory Corporation of America, LabCorp
Classification: Pathogenic for Combined pituitary hormone deficiencies, genetic form. Last evaluated: 2025-07-10. Review status: criteria provided, single submitter. Criteria: LabCorp Variant Classification Summary - May 2015. Collection method: clinical testing. Allele origin: germline.
Comment: Variant summary: PROP1 c.301_302delAG (p.Leu102CysfsX8) results in a premature termination codon, predicted to cause a truncation of the encoded protein or absence of the protein due to nonsense mediated decay, which are commonly known mechanisms for disease. The variant allele was found at a frequency of 0.00016 in 251252 control chromosomes. This frequency is not significantly higher than estimated for a pathogenic variant in PROP1 causing Combined Pituitary Hormone Deficiency (0.00016 vs 0.0041), allowing no conclusion about variant significance. c.301_302delAG has been observed in multiple individuals affected with Combined Pituitary Hormone Deficiency, including as a homozygous genotype (e.g. Cogan_1998, Deladoey_1999, Jullien_2020). These data indicate that the variant is very likely to be associated with disease. To our knowledge, no experimental evidence demonstrating an impact on protein function has been reported. The following publications have been ascertained in the context of this evaluation (PMID: 9745452, 10323394, 33098107). ClinVar contains an entry for this variant (Variation ID: 8098). Based on the evidence outlined above, the variant was classified as pathogenic.

Laboratory of Genetics, Children's Clinical University Hospital Latvia
Classification: Pathogenic. Last evaluated: 2025-02-16. Review status: criteria provided, single submitter. Criteria: ACMG Guidelines, 2015. Collection method: clinical testing. Allele origin: germline. Affected: yes.

Blueprint Genetics
Classification: Pathogenic for PROP1-related disorders. Last evaluated: 2024-10-16. Review status: criteria provided, single submitter. Criteria: ACMG Guidelines, 2015. Collection method: clinical testing. Allele origin: germline. Affected: yes. Observed: 5 variant alleles.

Revvity Omics, Revvity
Classification: Pathogenic for Pituitary hormone deficiency, combined, 2. Last evaluated: 2024-09-24. Review status: criteria provided, single submitter. Criteria: ACMG Guidelines, 2015. Collection method: clinical testing. Allele origin: germline.

GeneDx
Classification: Pathogenic. Last evaluated: 2024-08-11. Review status: criteria provided, single submitter. Criteria: GeneDx Variant Classification Process June 2021. Collection method: clinical testing. Allele origin: germline. Affected: yes.
Comment: Frameshift variant predicted to result in abnormal protein length as the last 125 amino acids are replaced with 7 different amino acids, and other similar variants have been reported in HGMD; Published functional studies demonstrate a damaging effect on DNA binding and transactivation function (PMID: 9462743); This variant is associated with the following publications: (PMID: 28734020, 12414875, 16984240, 17526936, 15472175, 10084575, 25581745, 30959475, 31948187, 31090814, 31093944, 32415500, 33098107, 11081182, 26111865, 10323394, 15126542, 10634415, 26059845, 17162714, 16735499, 16703408, 18157385, 11022176, 9462743, 11549674, 30266296, 34426522, 31589614, 32612575, 9745452)

Fulgent Genetics
Classification: Pathogenic for Pituitary hormone deficiency, combined, 2. Last evaluated: 2024-03-06. Review status: criteria provided, single submitter. Criteria: ACMG Guidelines, 2015. Collection method: clinical testing. Allele origin: germline.

Laboratory of Medical Genetics, National & Kapodistrian University of Athens
Classification: Pathogenic for Pituitary hormone deficiency, combined, 2. Last evaluated: 2024-02-01. Review status: criteria provided, single submitter. Criteria: ACMG Guidelines, 2015. Collection method: curation. Allele origin: germline. Affected: no.

Department of Pathology and Laboratory Medicine, Sinai Health System
Classification: Pathogenic for Pituitary hormone deficiency, combined, 2. Last evaluated: 2023-10-12. Review status: criteria provided, single submitter. Criteria: ACMG Guidelines, 2015. Collection method: research. Allele origin: germline.

Clinical Genetics Laboratory, Skane University Hospital Lund
Classification: Pathogenic. Last evaluated: 2023-07-04. Review status: criteria provided, single submitter. Criteria: ACMG Guidelines, 2015. Collection method: clinical testing. Allele origin: germline. Affected: yes.

NM_006261.5(PROP1):c.301_302del (p.Leu102fs)

Gene: PROP1 (PROP paired-like homeobox 1; minus strand). Cytogenetic location: 5q35.3.
Variant type: Microsatellite.
Coding change: c.301_302del on transcript NM_006261.5 (MANE Select); coding-DNA positions 301 to 302, 2 bases deleted (AG; older notation c.301_302delAG).
Protein change: p.Leu102fs; shifts the reading frame from leucine 102.
Molecular consequence: frameshift variant.
Genome position (GRCh38, 1-based): chr5:177,994,146-177,994,147, CT deleted on the plus strand (AG on the coding strand, the reverse complement: PROP1 is on the minus strand); deleting any 2 consecutive bases within chr5:177,994,146-177,994,152 gives the same sequence; the c. name uses the placement nearest the transcript's 3' end. VCF-style (leftmost placement, unchanged base first): chr5-177994145-ACT-A. GRCh37 (hg19) VCF-style: chr5-177421146-ACT-A.
Other names: 296_297delGA; c.301_302delAG (NM_006261.4, NM_006261.5); short protein forms L102fs.
Identifiers: ClinVar variation 8098 (VCV000008098.54), dbSNP rs193922688, ClinGen allele CA214191.